The following is an entry in ClinVar:

ClinVar aggregate classification (germline): Uncertain significance (1 of 4 stars; one submission).

Conditions:
Early-infantile DEE. Also called: Ohtahara syndrome; Early infantile epileptic encephalopathy; Early infantile epileptic encephalopathy with suppression bursts. Identifiers: Orphanet 1934, MedGen C0393706, MONDO:0800491.

Submission:

Labcorp Genetics (formerly Invitae), Labcorp
Classification: Uncertain significance for Early-infantile DEE. Last evaluated: 2025-05-22. Review status: criteria provided, single submitter. Criteria: Invitae Variant Classification Sherloc (09022015). Collection method: clinical testing. Allele origin: germline.
Comment: This sequence change replaces valine, which is neutral and non-polar, with alanine, which is neutral and non-polar, at codon 1119 of the SCN1A protein (p.Val1119Ala). This variant is not present in population databases (gnomAD no frequency). This variant has not been reported in the literature in individuals affected with SCN1A-related conditions. ClinVar contains an entry for this variant (Variation ID: 1494810). Invitae Evidence Modeling of protein sequence and biophysical properties (such as structural, functional, and spatial information, amino acid conservation, physicochemical variation, residue mobility, and thermodynamic stability) indicates that this missense variant is not expected to disrupt SCN1A protein function with a negative predictive value of 95%. In summary, the available evidence is currently insufficient to determine the role of this variant in disease. Therefore, it has been classified as a Variant of Uncertain Significance.

NM_001165963.4(SCN1A):c.3356T>C (p.Val1119Ala)

Genes: SCN1A (sodium voltage-gated channel alpha subunit 1; minus strand), LOC102724058 (uncharacterized LOC102724058; plus strand). Cytogenetic location: 2q24.3.
Variant type: single nucleotide variant.
Coding change: c.3356T>C on transcript NM_001165963.4 (MANE Select); coding-DNA position 3356, T replaced by C.
Protein change: p.Val1119Ala; replaces valine 1119 with alanine.
Molecular consequence: missense variant. On other transcripts: non-coding transcript variant (2).
Genome position (GRCh38, 1-based): chr2:166,036,121, A>G on the plus strand (T>C on the coding strand, the complement: SCN1A is on the minus strand). VCF-style: chr2-166036121-A-G. GRCh37 (hg19) VCF-style: chr2-166892631-A-G.
Other names: c.3272T>C, p.Val1091Ala (NM_001165964.3, NM_001353957.2, NM_001353958.2); c.3356T>C, p.Val1119Ala (NM_001202435.3, NM_001353948.2); c.3323T>C, p.Val1108Ala (NM_001353949.2, NM_001353950.2, NM_001353951.2 and 2 more transcripts); c.3320T>C, p.Val1107Ala (NM_001353954.2, NM_001353955.2); c.3269T>C, p.Val1090Ala (NM_001353960.2); c.914T>C, p.Val305Ala (NM_001353961.2); short protein forms V1091A, V1107A, V305A, V1108A, V1119A, V1090A.
Identifiers: ClinVar variation 1494810 (VCV001494810.9), dbSNP rs2105793697, ClinGen allele CA349059235.